The following is an entry in ClinVar:

NM_001377.3(DYNC2H1):c.348C>T (p.Phe116=)

Gene: DYNC2H1 (dynein cytoplasmic 2 heavy chain 1; plus strand). Cytogenetic location: 11q22.3.
Variant type: single nucleotide variant.
Coding change: c.348C>T on transcript NM_001377.3 (MANE Select); coding-DNA position 348, C replaced by T.
Protein change: p.Phe116=; no amino-acid change (phenylalanine 116 retained).
Molecular consequence: synonymous variant.
Genome position (GRCh38, 1-based): chr11:103,113,689, C>T. VCF-style: chr11-103113689-C-T. GRCh37 (hg19) VCF-style: chr11-102984418-C-T.
Other names: c.348C>T, p.Phe116= (NM_001080463.2).
Identifiers: ClinVar variation 511923 (VCV000511923.12), dbSNP rs776765795, ClinGen allele CA6252459.
Genomic context (GRCh38, chr11:103,113,689, plus strand): 5'-TGTTTCATCTATGTTAGAGTCACCTATTAGTTCTCTTTACCAAGCAGTACGGCAAGTATT[C>T]GCACCAATGTTGTTAAAGGTGAGAAAAGAAGCTGTCATTTTTTTTAACTGAGGTATTTGG-3'
Protein context (NP_001368.2, residues 106-126): SSLYQAVRQV[Phe116=]APMLLKDQEW

ClinVar aggregate classification (germline): Likely benign. Review status: criteria provided, multiple submitters, no conflicts (2 of 4 stars). 3 submissions from 3 submitters: Likely benign (3). Last evaluated 2025-12-14.

Conditions:
Jeune thoracic dystrophy. Also called: Short-rib thoracic dysplasia; Jeune syndrome; Infantile thoracic dystrophy; Thoracic pelvic phalangeal dystrophy; Jeune's syndrome; Chondroectodermal dysplasia-like syndrome. Identifiers: Orphanet 474, MedGen C0265275, MONDO:0018770.

Allele frequency attached by ClinVar (database versions not stated): gnomAD 0.00002; gnomAD exomes 0.00002 and 0.00004; TOPMed 0.00002; ExAC 0.00006.
gnomAD v4.1: 33 of 1,537,014 alleles (0.0021%); highest among the groups gnomAD compares: Admixed American, 0.018%; no homozygotes.

Submissions (3):

Labcorp Genetics (formerly Invitae), Labcorp
Classification: Likely benign for Jeune thoracic dystrophy. Last evaluated: 2025-12-14. Review status: criteria provided, single submitter. Criteria: Invitae Variant Classification Sherloc (09022015). Collection method: clinical testing. Allele origin: germline.

Blueprint Genetics
Classification: Likely benign. Last evaluated: 2022-07-21. Review status: criteria provided, single submitter. Criteria: ACMG Guidelines, 2015. Collection method: clinical testing. Allele origin: germline.

GeneDx
Classification: Likely benign. Last evaluated: 2017-09-05. Review status: criteria provided, single submitter. Criteria: GeneDx Variant Classification (06012015). Collection method: clinical testing. Allele origin: germline. Affected: yes.
Comment: This variant is considered likely benign or benign based on one or more of the following criteria: it is a conservative change, it occurs at a poorly conserved position in the protein, it is predicted to be benign by multiple in silico algorithms, and/or has population frequency not consistent with disease.